The following is an entry in ClinVar:

ClinVar aggregate classification (germline): Uncertain significance (1 of 4 stars; one submission).

Conditions:
Combined immunodeficiency due to STIM1 deficiency. Also called: STIM1 DEFICIENCY; IMMUNODEFICIENCY 10. Identifiers: Orphanet 169090, Orphanet 317430, MedGen C2748557, MONDO:0013008, OMIM 612783.
Stormorken syndrome (STRMK). Also called: THROMBOCYTOPATHY, ASPLENIA, AND MIOSIS. Identifiers: Orphanet 3204, MedGen C1861451, MONDO:0008497, OMIM 185070.
Myopathy with tubular aggregates (TAM). Also called: Tubular Aggregate Myopathy. Identifiers: Orphanet 2593, MedGen C0410207, MONDO:0008051.

Allele frequency attached by ClinVar (database versions not stated): gnomAD exomes below 0.00001 and 0.00001; ExAC 0.00002; 1000 Genomes Project 30x 0.00031; gnomAD 0.00002 and 0.00003; TOPMed 0.00005; ESP Exome Variant Server 0.00008; 1000 Genomes Project 0.00020.
gnomAD v4.1: 8 of 1,614,270 alleles (0.0005%); highest among the groups gnomAD compares: African/African-American, 0.011%; no homozygotes.

Submission:

Labcorp Genetics (formerly Invitae), Labcorp
Classification: Uncertain significance for Myopathy with tubular aggregates; Combined immunodeficiency due to STIM1 deficiency; Stormorken syndrome. Last evaluated: 2025-10-14. Review status: criteria provided, single submitter. Criteria: Invitae Variant Classification Sherloc (09022015). Collection method: clinical testing. Allele origin: germline.
Comment: This sequence change replaces alanine, which is neutral and non-polar, with glycine, which is neutral and non-polar, at codon 452 of the STIM1 protein (p.Ala452Gly). This variant is present in population databases (rs114915823, gnomAD 0.02%). This variant has not been reported in the literature in individuals affected with STIM1-related conditions. ClinVar contains an entry for this variant (Variation ID: 835703). Invitae Evidence Modeling of protein sequence and biophysical properties (such as structural, functional, and spatial information, amino acid conservation, physicochemical variation, residue mobility, and thermodynamic stability) has been performed for this missense variant. However, the output from this modeling did not meet the statistical confidence thresholds required to predict the impact of this variant on STIM1 protein function. Algorithms developed to predict the effect of sequence changes on RNA splicing suggest that this variant may create or strengthen a splice site. In summary, the available evidence is currently insufficient to determine the role of this variant in disease. Therefore, it has been classified as a Variant of Uncertain Significance.

NM_001382567.1(STIM1):c.1355C>G (p.Ala452Gly)

Gene: STIM1 (stromal interaction molecule 1; plus strand). Cytogenetic location: 11p15.4.
Variant type: single nucleotide variant.
Coding change: c.1355C>G on transcript NM_001382567.1 (MANE Select); coding-DNA position 1355, C replaced by G.
Protein change: p.Ala452Gly; replaces alanine 452 with glycine.
Molecular consequence: missense variant. On other transcripts: non-coding transcript variant (2).
Genome position (GRCh38, 1-based): chr11:4,083,379, C>G. VCF-style: chr11-4083379-C-G. GRCh37 (hg19) VCF-style: chr11-4104609-C-G.
Other names: c.1355C>G, p.Ala452Gly (NM_001277961.3, NM_001277962.2, NM_003156.4); c.1133C>G, p.Ala378Gly (NM_001382566.1, NM_001382573.1, NM_001382575.1 and 4 more transcripts); c.1376C>G, p.Ala459Gly (NM_001382568.1); c.1220C>G, p.Ala407Gly (NM_001382569.1); c.1127C>G, p.Ala376Gly (NM_001382570.1); c.875C>G, p.Ala292Gly (NM_001382571.1); c.866C>G, p.Ala289Gly (NM_001382580.1, NM_001382581.1); short protein forms A452G, A289G, A292G, A376G, A378G, A407G, A459G.
Identifiers: ClinVar variation 835703 (VCV000835703.10), dbSNP rs114915823, ClinGen allele CA5830451.